The following is an entry in ClinVar:

NM_001291303.3(FAT4):c.12742C>A (p.Leu4248Met)

Gene: FAT4 (FAT atypical cadherin 4; plus strand). Cytogenetic location: 4q28.1.
Variant type: single nucleotide variant.
Coding change: c.12742C>A on transcript NM_001291303.3 (MANE Select); coding-DNA position 12742, C replaced by A.
Protein change: p.Leu4248Met; replaces leucine 4248 with methionine.
Molecular consequence: missense variant.
Genome position (GRCh38, 1-based): chr4:125,481,658, C>A. VCF-style: chr4-125481658-C-A. GRCh37 (hg19) VCF-style: chr4-126402813-C-A.
Other names: c.12742C>A, p.Leu4248Met (NM_001291285.3); c.12736C>A, p.Leu4246Met (NM_024582.6); short protein forms L4246M, L4248M.
Identifiers: ClinVar variation 2104721 (VCV002104721.4), dbSNP rs1727233813, ClinGen allele CA358132702.
Genomic context (GRCh38, chr4:125,481,658, plus strand): 5'-GAATATTTGTTAAGGCAAAGCTTACGAGGTGCCATGTTGGAGCCTTTTGGTGTGAACAGT[C>A]TGGAAGTAAAATTTAGGACCAGAAGCGAGAATGGCGTTTTAATCCATATCCAAGAAAGCA-3'
Protein context (NP_001278232.1, residues 4238-4258): AMLEPFGVNS[Leu4248Met]EVKFRTRSEN

ClinVar aggregate classification (germline): Uncertain significance (1 of 4 stars; one submission).

Submission:

Labcorp Genetics (formerly Invitae), Labcorp
Classification: Uncertain significance. Last evaluated: 2022-10-31. Review status: criteria provided, single submitter. Criteria: Invitae Variant Classification Sherloc (09022015). Collection method: clinical testing. Allele origin: germline.
Comment: In summary, the available evidence is currently insufficient to determine the role of this variant in disease. Therefore, it has been classified as a Variant of Uncertain Significance. Advanced modeling of protein sequence and biophysical properties (such as structural, functional, and spatial information, amino acid conservation, physicochemical variation, residue mobility, and thermodynamic stability) performed at Invitae indicates that this missense variant is not expected to disrupt FAT4 protein function. This variant has not been reported in the literature in individuals affected with FAT4-related conditions. This variant is not present in population databases (gnomAD no frequency). This sequence change replaces leucine, which is neutral and non-polar, with methionine, which is neutral and non-polar, at codon 4246 of the FAT4 protein (p.Leu4246Met).